The following is an entry in ClinVar:

NM_004946.3(DOCK2):c.1056-37A>G

Gene: DOCK2 (dedicator of cytokinesis 2; plus strand). Cytogenetic location: 5q35.1.
Variant type: single nucleotide variant.
Coding change: c.1056-37A>G on transcript NM_004946.3 (MANE Select); 37 bases into the intron before coding-DNA position 1056, A replaced by G.
Molecular consequence: intron variant.
Genome position (GRCh38, 1-based): chr5:169,699,345, A>G. VCF-style: chr5-169699345-A-G. GRCh37 (hg19) VCF-style: chr5-169126349-A-G.
Identifiers: ClinVar variation 2687927 (VCV002687927.2), dbSNP rs2306562, ClinGen allele CA3553353.
Genomic context (GRCh38, chr5:169,699,345, plus strand): 5'-ACCTGAGGCGTGTGGAGGGGCTGGGGAGATTCATGGGACCCCTTGAAACGCAAGGAGGAC[A>G]CGATGTGGACATTTCATGCTCTCTTTTCCTTTCCAGGGTTACAGCTGAGAATGACTTCCT-3'

ClinVar aggregate classification (germline): Benign (1 of 4 stars; one submission).

Allele frequency attached by ClinVar (database versions not stated): 1000 Genomes Project 30x 0.11181; 1000 Genomes Project 0.11621; TOPMed 0.13628; gnomAD 0.14599; ESP Exome Variant Server 0.15408; ExAC 0.16379; gnomAD exomes 0.19188.
gnomAD v4.1: 299,390 of 1,599,326 alleles (19%); highest among the groups gnomAD compares: Non-Finnish European, 20%; 29,813 homozygotes.

Submission:

Unidad de Genómica Garrahan, Hospital de Pediatría Garrahan
Classification: Benign. Last evaluated: 2024-01-24. Review status: criteria provided, single submitter. Criteria: ACMG Guidelines, 2015. Collection method: clinical testing. Allele origin: germline. Affected: no. Observed: 19 variant alleles.
Comment: This variant is classified as Benign based on local population frequency. This variant was detected in 20% of patients studied by a panel of primary immunodeficiencies. Number of patients: 19. Only high quality variants are reported.